The following is an entry in ClinVar:

NM_014714.4(IFT140):c.810+1G>A

Genes: IFT140 (intraflagellar transport 140; minus strand), LOC105371046 (uncharacterized LOC105371046; plus strand). Cytogenetic location: 16p13.3.
Variant type: single nucleotide variant.
Coding change: c.810+1G>A on transcript NM_014714.4 (MANE Select); the canonical splice donor site of the intron after coding-DNA position 810, G replaced by A.
Molecular consequence: splice donor variant.
Genome position (GRCh38, 1-based): chr16:1,589,604, C>T on the plus strand (G>A on the coding strand, the complement: IFT140 is on the minus strand). VCF-style: chr16-1589604-C-T. GRCh37 (hg19) VCF-style: chr16-1639605-C-T.
Other names: NC_000016.9:g.1639605C>T.
Identifiers: ClinVar variation 3578670 (VCV003578670.3).

ClinVar aggregate classification (germline): Likely pathogenic. Review status: criteria provided, multiple submitters, no conflicts (2 of 4 stars). 2 submissions from 2 submitters: Likely pathogenic (2). Last evaluated 2024-12-30.

Conditions:
Renal cyst. Also called: Cystic kidney disease; Renal cysts; cystic kidneys. Identifiers: MedGen C3887499, MONDO:0002473, HP:0000107.
Saldino-Mainzer syndrome (SRTD9). Also called: CONORENAL SYNDROME; SHORT-RIB THORACIC DYSPLASIA 9 WITHOUT POLYDACTYLY; Renal dysplasia, retinal pigmentary dystrophy, cerebellar ataxia and skeletal dysplasia; short-rib thoracic dysplasia 9 with or without polydactyly. Identifiers: Orphanet 140969, MedGen C1849437, MONDO:0009964, OMIM 266920.
Retinitis pigmentosa 80 (RP80). Identifiers: MedGen C4540439, MONDO:0054708, OMIM 617781.

gnomAD v4.1: 10 of 1,613,286 alleles (0.00062%); highest among the groups gnomAD compares: Non-Finnish European, 0.00085%; no homozygotes.

Submissions (3):

Victorian Clinical Genetics Services, Murdoch Childrens Research Institute
Classification: Likely pathogenic for Renal cyst. Last evaluated: 2024-12-30. Review status: criteria provided, single submitter. Criteria: ACMG Guidelines, 2015. Collection method: clinical testing. Allele origin: germline. Affected: yes.
Comment: This variant is classified as Likely pathogenic. Evidence in support of pathogenic classification: Canonical splice site variant without proven consequence on splicing (no functional evidence available); Variant is present in gnomAD <0.01 (v4: 10 heterozygote(s), 0 homozygote(s)); This variant has limited previous evidence of pathogenicity in an unrelated individual. This variant has been reported in the literature in a patient with cystic kidney disease (PMID: 34890546); Abnormal splicing is predicted by in silico tool and affected nucleotide is highly conserved. Additional information: This variant is heterozygous; This gene is associated with both recessive and dominant disease. Retinitis pigmentosa 80 (MIM#617781) and short-rib thoracic dysplasia 9 with or without polydactyly (MIM#266920) are inherited in an autosomal recessive manner, while cystic kidney disease (MONDO:0002473), IFT140-related is inherited in an autosomal dominant manner (OMIM, PMID: 34890546); Multiple alternative nucleotide changes at the same canonical splice site are observed in gnomAD (v2 and v4) (highest allele count: 1 heterozygote(s), 0 homozygote(s)); No published segregation evidence has been identified for this variant; No published functional evidence has been identified for this variant; No comparable splice variants have previous evidence for pathogenicity; Loss of function is a known mechanism of disease in this gene and is associated with retinitis pigmentosa 80 (MIM#617781), short-rib thoracic dysplasia 9 with or without polydactyly (MIM#266920) and cystic kidney disease (MONDO:0002473), IFT140-related (PMID: 34890546); The dominant condition associated with this gene may have incomplete penetrance. Parents of children with short-rib thoracic dysplasia 9 with or without polydactyly, who carry a single pathogenic variant that has also previously been associated with the dominant cystic kidney disease phenotype, have been reported as unaffected (PMID: 34890546). However, these parents weren't specifically assessed for cystic kidney disease; Inheritance information for this variant is not currently available in this individual.

Fulgent Genetics
Classification: Likely pathogenic for Saldino-Mainzer syndrome; Retinitis pigmentosa 80. Last evaluated: 2024-05-22. Review status: criteria provided, single submitter. Criteria: ACMG Guidelines, 2015. Collection method: clinical testing. Allele origin: germline.

Dr. Peter K. Rogan Lab, Western University
No classification provided (evidence only). Condition: Thyroid cancer, nonmedullary, 1. Review status: no classification provided. Collection method: in vitro. Allele origin: not applicable. Functional consequence: skipped exon, retained intron. Not counted in ClinVar's aggregate classification.

Literature cited by the submitters: PubMed 34890546 (cited by Victorian Clinical Genetics Services, Murdoch Childrens Research Institute).